The following is an entry in ClinVar:

ClinVar aggregate classification (germline): Uncertain significance (1 of 4 stars; one submission).

Conditions:
Inborn genetic diseases. Identifiers: MedGen C0950123, MeSH D030342.

gnomAD v4.1: 2 of 1,613,926 alleles (0.00012%); highest among the groups gnomAD compares: Non-Finnish European, 0.00017%; no homozygotes.

Submission:

Ambry Genetics
Classification: Uncertain significance for Inborn genetic diseases. Last evaluated: 2025-01-28. Review status: criteria provided, single submitter. Criteria: Ambry Variant Classification Scheme 2023. Collection method: clinical testing. Allele origin: germline.
Comment: The p.G127R variant (also known as c.379G>C), located in coding exon 4 of the CCM2 gene, results from a G to C substitution at nucleotide position 379. The glycine at codon 127 is replaced by arginine, an amino acid with dissimilar properties. This amino acid position is conserved. In addition, the in silico prediction for this alteration is inconclusive. Based on the available evidence, the clinical significance of this variant remains unclear.

NM_031443.4(CCM2):c.379G>C (p.Gly127Arg)

Gene: CCM2 (CCM2 scaffold protein; plus strand). Cytogenetic location: 7p13.
Variant type: single nucleotide variant.
Coding change: c.379G>C on transcript NM_031443.4 (MANE Select); coding-DNA position 379, G replaced by C.
Protein change: p.Gly127Arg; replaces glycine 127 with arginine.
Molecular consequence: missense variant. On other transcripts: non-coding transcript variant (1).
Genome position (GRCh38, 1-based): chr7:45,064,553, G>C. VCF-style: chr7-45064553-G-C. GRCh37 (hg19) VCF-style: chr7-45104152-G-C.
Other names: c.442G>C, p.Gly148Arg (NM_001029835.2); c.205G>C, p.Gly69Arg (NM_001167934.2, NM_001363459.2); c.379G>C, p.Gly127Arg (NM_001167935.2, NM_001363458.2); short protein forms G127R, G148R, G69R.
Identifiers: ClinVar variation 3829012 (VCV003829012.1).